The following is an entry in ClinVar:

ClinVar aggregate classification (germline): Uncertain significance (1 of 4 stars; one submission).

gnomAD v4.1: 1 of 1,413,732 alleles (0.000071%); highest among the groups gnomAD compares: Non-Finnish European, 0.000099%; no homozygotes.

Submission:

Labcorp Genetics (formerly Invitae), Labcorp
Classification: Uncertain significance. Last evaluated: 2024-11-19. Review status: criteria provided, single submitter. Criteria: Invitae Variant Classification Sherloc (09022015). Collection method: clinical testing. Allele origin: germline.
Comment: This sequence change replaces serine, which is neutral and polar, with leucine, which is neutral and non-polar, at codon 621 of the IFT88 protein (p.Ser621Leu). This variant is present in population databases (no rsID available, gnomAD 0.0009%). This variant has not been reported in the literature in individuals affected with IFT88-related conditions. An algorithm developed to predict the effect of missense changes on protein structure and function (PolyPhen-2) suggests that this variant is likely to be tolerated. In summary, the available evidence is currently insufficient to determine the role of this variant in disease. Therefore, it has been classified as a Variant of Uncertain Significance.

NM_006531.5(IFT88):c.1835C>T (p.Ser612Leu)

Gene: IFT88 (intraflagellar transport 88; plus strand). Cytogenetic location: 13q12.11.
Variant type: single nucleotide variant.
Coding change: c.1835C>T on transcript NM_006531.5 (MANE Select); coding-DNA position 1835, C replaced by T.
Protein change: p.Ser612Leu; replaces serine 612 with leucine.
Molecular consequence: missense variant. On other transcripts: non-coding transcript variant (4).
Genome position (GRCh38, 1-based): chr13:20,644,844, C>T. VCF-style: chr13-20644844-C-T. GRCh37 (hg19) VCF-style: chr13-21218983-C-T.
Other names: c.1778C>T, p.Ser593Leu (NM_001318491.2, NM_001353575.2); c.1862C>T, p.Ser621Leu (NM_001318493.2, NM_001353565.2, NM_001353566.2 and 2 more transcripts); c.1835C>T, p.Ser612Leu (NM_001353568.2, NM_001353572.2); c.1760C>T, p.Ser587Leu (NM_001353569.2, NM_001353570.2, NM_001353576.2 and 1 more transcripts); c.1733C>T, p.Ser578Leu (NM_001353571.2, NM_001353578.2); c.1691C>T, p.Ser564Leu (NM_001353573.2); c.1676C>T, p.Ser559Leu (NM_001353574.2); c.1202C>T, p.Ser401Leu (NM_001353579.2); short protein forms S401L, S564L, S612L, S587L, S593L, S559L, S578L, S621L.
Identifiers: ClinVar variation 3725620 (VCV003725620.2).